The following is an entry in ClinVar:

ClinVar aggregate classification (germline): Uncertain significance (1 of 4 stars; one submission).

Submission:

Labcorp Genetics (formerly Invitae), Labcorp
Classification: Uncertain significance. Last evaluated: 2024-01-26. Review status: criteria provided, single submitter. Criteria: Invitae Variant Classification Sherloc (09022015). Collection method: clinical testing. Allele origin: germline.
Comment: This sequence change replaces proline, which is neutral and non-polar, with leucine, which is neutral and non-polar, at codon 441 of the GHR protein (p.Pro441Leu). This variant is not present in population databases (gnomAD no frequency). This variant has not been reported in the literature in individuals affected with GHR-related conditions. Advanced modeling of protein sequence and biophysical properties (such as structural, functional, and spatial information, amino acid conservation, physicochemical variation, residue mobility, and thermodynamic stability) performed at Invitae indicates that this missense variant is not expected to disrupt GHR protein function with a negative predictive value of 80%. In summary, the available evidence is currently insufficient to determine the role of this variant in disease. Therefore, it has been classified as a Variant of Uncertain Significance.

NM_000163.5(GHR):c.1322C>T (p.Pro441Leu)

Gene: GHR (growth hormone receptor; plus strand). Cytogenetic location: 5p12.
Variant type: single nucleotide variant.
Coding change: c.1322C>T on transcript NM_000163.5 (MANE Select); coding-DNA position 1322, C replaced by T.
Protein change: p.Pro441Leu; replaces proline 441 with leucine.
Molecular consequence: missense variant. On other transcripts: 3 prime UTR variant (1).
Genome position (GRCh38, 1-based): chr5:42,718,829, C>T. VCF-style: chr5-42718829-C-T. GRCh37 (hg19) VCF-style: chr5-42718931-C-T.
Other names: c.1343C>T, p.Pro448Leu (NM_001242399.2); c.1322C>T, p.Pro441Leu (NM_001242400.2, NM_001242403.3, NM_001242404.2 and 4 more transcripts); c.1256C>T, p.Pro419Leu (NM_001242460.2); c.*364C>T (NM_001242462.1); short protein forms P441L, P448L, P419L.
Identifiers: ClinVar variation 2756338 (VCV002756338.3), dbSNP rs2530779644, ClinGen allele CA359629974.